The following is an entry in ClinVar:

ClinVar aggregate classification (germline): Uncertain significance (1 of 4 stars; one submission).

Conditions:
Hereditary cancer-predisposing syndrome. Also called: Neoplastic Syndromes, Hereditary; Tumor predisposition; Hereditary Cancer Syndrome; Hereditary neoplastic syndrome. Identifiers: Orphanet 140162, MedGen C0027672, MeSH D009386, MONDO:0015356.

Submission:

Ambry Genetics
Classification: Uncertain significance for Hereditary cancer-predisposing syndrome. Last evaluated: 2022-09-29. Review status: criteria provided, single submitter. Criteria: Ambry Variant Classification Scheme 2023. Collection method: clinical testing. Allele origin: germline.
Comment: The c.186_199del14insTCTAA variant (also known as p.E64_S67delinsT), located in coding exon 1 of the CHEK2 gene, results from an in-frame deletion of 14 nucleotides (CTTAGAGACAGTGT) and insertion of 5 nucleotides (TCTAA) at nucleotide positions 186 to 199. This results in the in-frame deletion of 4 amino acids (ETVS) and insertion of 1 amino acid (T) at codons 64 to 67. This amino acid region is generally well conserved in available vertebrate species. In addition, this alteration is predicted to be deleterious by in silico analysis (Choi Y et al. PLoS ONE. 2012; 7(10):e46688). Since supporting evidence is limited at this time, the clinical significance of this alteration remains unclear.

NM_007194.4(CHEK2):c.186_199delinsTCTAA (p.Glu64_Ser67delinsThr)

Gene: CHEK2 (checkpoint kinase 2; minus strand). Cytogenetic location: 22q12.1.
Variant type: Indel.
Coding change: c.186_199delinsTCTAA on transcript NM_007194.4 (MANE Select); coding-DNA positions 186 to 199, CTTAGAGACAGTGT replaced by TCTAA.
Protein change: p.Glu64_Ser67delinsThr.
Molecular consequence: inframe indel.
Genome position (GRCh38, 1-based): chr22:28,734,523-28,734,536, ACACTGTCTCTAAG replaced by TTAGA on the plus strand (CTTAGAGACAGTGT replaced by TCTAA on the coding strand, the reverse complement: CHEK2 is on the minus strand). VCF-style: chr22-28734523-ACACTGTCTCTAAG-TTAGA. GRCh37 (hg19) VCF-style: chr22-29130511-ACACTGTCTCTAAG-TTAGA.
Other names: c.186_199delCTTAGAGACAGTGTinsTCTAA, p.Glu64_Ser67delinsThr (NM_001005735.3, NM_001349956.3, NM_145862.3); c.-592_-579delCTTAGAGACAGTGTinsTCTAA (NM_001257387.3).
Identifiers: ClinVar variation 1781487 (VCV001781487.2), dbSNP rs2518130415, ClinGen allele CA2580099418.